The following is an entry in ClinVar:

ClinVar aggregate classification (germline): Conflicting classifications of pathogenicity. Review status: criteria provided, conflicting classifications (1 of 4 stars). 2 submissions from 2 submitters: Uncertain significance (1); Likely benign (1). Last evaluated 2026-07-14.

Conditions:
Cardiovascular phenotype. Identifiers: MedGen CN230736.

Allele frequency attached by ClinVar (database versions not stated): TOPMed below 0.00001.
gnomAD v4.1: 13 of 1,613,880 alleles (0.00081%); highest among the groups gnomAD compares: Non-Finnish European, 0.0011%; no homozygotes.

Submissions (2):

Ambry Genetics
Classification: Likely benign for Cardiovascular phenotype. Last evaluated: 2026-07-14. Review status: criteria provided, single submitter. Criteria: Ambry Variant Classification Scheme 2023. Collection method: clinical testing. Allele origin: germline.

Mayo Clinic Laboratories, Mayo Clinic
Classification: Uncertain significance. Last evaluated: 2022-12-29. Review status: criteria provided, single submitter. Criteria: ACMG Guidelines, 2015. Collection method: clinical testing. Allele origin: germline. Observed: 1 variant allele.
Comment: BP4, PM2_supporting

Literature cited by the submitters: PubMed 35586626 (cited by Mayo Clinic Laboratories, Mayo Clinic).

NM_000088.4(COL1A1):c.4262C>T (p.Ala1421Val)

Gene: COL1A1 (collagen type I alpha 1 chain; minus strand). Cytogenetic location: 17q21.33.
Variant type: single nucleotide variant.
Coding change: c.4262C>T on transcript NM_000088.4 (MANE Select); coding-DNA position 4262, C replaced by T.
Protein change: p.Ala1421Val; replaces alanine 1421 with valine.
Molecular consequence: missense variant.
Genome position (GRCh38, 1-based): chr17:50,185,635, G>A on the plus strand (C>T on the coding strand, the complement: COL1A1 is on the minus strand). VCF-style: chr17-50185635-G-A. GRCh37 (hg19) VCF-style: chr17-48262996-G-A.
Other names: p.Ala1421Val; short protein forms A1421V.
Identifiers: ClinVar variation 2683432 (VCV002683432.2), dbSNP rs766386485, ClinGen allele CA400190844.
Genomic context (GRCh38, chr17:50,185,635, plus strand): 5'-TCGATGATGGGCAGGCGGGAGGTCTTGGTGGTTTTGTATTCAATCACTGTCTTGCCCCAG[G>A]CTCCGGTGTGACTCTGGGGTGGGGCGGAGACAACGGGAGGGGGCATTACCACGTGGGAGT-3'
Protein context (NP_000079.2, residues 1411-1431): TVDGCTSHTG[Ala1421Val]WGKTVIEYKT